The following is an entry in ClinVar:

ClinVar aggregate classification (germline): Uncertain significance (1 of 4 stars; one submission).

Submission:

Labcorp Genetics (formerly Invitae), Labcorp
Classification: Uncertain significance. Last evaluated: 2024-10-04. Review status: criteria provided, single submitter. Criteria: Invitae Variant Classification Sherloc (09022015). Collection method: clinical testing. Allele origin: germline.
Comment: This sequence change replaces isoleucine, which is neutral and non-polar, with threonine, which is neutral and polar, at codon 71 of the TFRC protein (p.Ile71Thr). This variant is not present in population databases (gnomAD no frequency). This variant has not been reported in the literature in individuals affected with TFRC-related conditions. An algorithm developed to predict the effect of missense changes on protein structure and function outputs the following: PolyPhen-2: "Benign". The threonine amino acid residue is found in multiple mammalian species, which suggests that this missense change does not adversely affect protein function. In summary, the available evidence is currently insufficient to determine the role of this variant in disease. Therefore, it has been classified as a Variant of Uncertain Significance.

NM_001128148.3(TFRC):c.212T>C (p.Ile71Thr)

Gene: TFRC (transferrin receptor; minus strand). Cytogenetic location: 3q29.
Variant type: single nucleotide variant.
Coding change: c.212T>C on transcript NM_001128148.3 (MANE Select); coding-DNA position 212, T replaced by C.
Protein change: p.Ile71Thr; replaces isoleucine 71 with threonine.
Molecular consequence: missense variant. On other transcripts: intron variant (2).
Genome position (GRCh38, 1-based): chr3:196,075,185, A>G on the plus strand (T>C on the coding strand, the complement: TFRC is on the minus strand). VCF-style: chr3-196075185-A-G. GRCh37 (hg19) VCF-style: chr3-195802056-A-G.
Other names: c.212T>C, p.Ile71Thr (NM_003234.4); c.-413+1879T>C (NM_001313966.2); c.-5-1060T>C (NM_001313965.2); short protein forms I71T.
Identifiers: ClinVar variation 3672620 (VCV003672620.2).